The following is an entry in ClinVar:

ClinVar aggregate classification (germline): Pathogenic (1 of 4 stars; one submission).

Conditions:
GM1 gangliosidosis. Identifiers: Orphanet 354, MedGen C0085131, MONDO:0018149.
Mucopolysaccharidosis, MPS-IV-B (MPS4B). Also called: MORQUIO SYNDROME B; Mucopolysaccharidosis type IVB (Morquio); MPS IVB; Mucopolysaccharidosis type IV B; Mucopolysaccharidosis Type IVB; Mucopolysaccharidosis type 4B. Identifiers: Orphanet 309310, Orphanet 582, MedGen C0086652, MONDO:0009660, OMIM 253010.

Submission:

Labcorp Genetics (formerly Invitae), Labcorp
Classification: Pathogenic for Mucopolysaccharidosis, MPS-IV-B; GM1 gangliosidosis. Last evaluated: 2025-11-13. Review status: criteria provided, single submitter. Criteria: Invitae Variant Classification Sherloc (09022015). Collection method: clinical testing. Allele origin: germline.
Comment: This sequence change creates a premature translational stop signal (p.Glu456Serfs*5) in the GLB1 gene. It is expected to result in an absent or disrupted protein product. Loss-of-function variants in GLB1 are known to be pathogenic (PMID: 18524657). This variant is not present in population databases (gnomAD no frequency). This variant has not been reported in the literature in individuals affected with GLB1-related conditions. For these reasons, this variant has been classified as Pathogenic.

Literature cited by the submitters: PubMed 18524657.

NM_000404.4(GLB1):c.1363del (p.Glu456fs)

Gene: GLB1 (galactosidase beta 1; minus strand). Cytogenetic location: 3p22.3.
Variant type: Deletion.
Coding change: c.1363del on transcript NM_000404.4 (MANE Select); coding-DNA position 1363, one base deleted (C; older notation c.1363delC).
Protein change: p.Glu456fs; shifts the reading frame from glutamic acid 456.
Molecular consequence: frameshift variant.
Genome position (GRCh38, 1-based): chr3:33,016,825, G deleted on the plus strand (C on the coding strand, the reverse complement: GLB1 is on the minus strand); the first of 2 consecutive G bases (chr3:33,016,825-33,016,826); deleting either gives the same sequence. VCF-style (leftmost placement, unchanged base first): chr3-33016824-AG-A. GRCh37 (hg19) VCF-style: chr3-33058316-AG-A.
Other names: c.1273del, p.Glu426fs (NM_001079811.3); c.970del, p.Glu325fs (NM_001135602.3); c.1507del, p.Glu504fs (NM_001317040.2); c.1363del, p.Glu456fs (NM_001393580.1); short protein forms E504fs, E325fs, E426fs, E456fs.
Identifiers: ClinVar variation 4786703 (VCV004786703.1).